The following is an entry in ClinVar:

Single allele

Gene: ATXN8OS (ATXN8 opposite strand lncRNA; plus strand). Cytogenetic location: 13q21.33.
Variant type: Deletion.
Identifiers: ClinVar variation 157283 (VCV000157283.2).

ClinVar aggregate classification (germline): not provided (0 of 4 stars; one submission).

Conditions:
Normal pregnancy. Identifiers: MedGen C0232989.

Submission:

Institute of Molecular and Cell Biology, University of Tartu
No classification provided. Condition: Normal pregnancy. Review status: no classification provided. Collection method: case-control. Allele origin: unknown. Affected: yes. Study: Kasak2014.
Comment: The study aimed to determine the contribution of copy number variants in the genetic etiology of normal and complicated pregnancies. The samples represented (i) maternal blood DNA drawn from healthy pregnant women during 1st or 2nd trimester and (ii) maternal and paternal blood DNA drawn at term pregnancy cases representing normal and complicated gestations (severe preeclampsia, PE; gestational diabetes, GD; small-for-gestational age newborn, SGA; large-for-gestational age newborn, LGA). We performed CNV calling based on genome-wide genotyping dataset (Illumina HumanOmniExpress-24-v1 BeadChip) by applying three algorithms, QuantiSNP, GADA (Genome Alteration Detection Algorithm) and CNstream in parallel. The acquired CNV calls were merged with HD-CNV (Hotspot Detector for Copy Number Variants) program and only the CNVs predicted by at least two programs, were considered in subsequent analysis.

Literature cited by the submitters: PubMed 25666259.